The following is an entry in ClinVar:

NM_201384.3(PLEC):c.447C>T (p.Ile149=)

Gene: PLEC (plectin; minus strand). Cytogenetic location: 8q24.3.
Variant type: single nucleotide variant.
Coding change: c.447C>T on transcript NM_201384.3 (MANE Select); coding-DNA position 447, C replaced by T.
Protein change: p.Ile149=; no amino-acid change (isoleucine 149 retained).
Molecular consequence: synonymous variant.
Genome position (GRCh38, 1-based): chr8:143,936,003, G>A on the plus strand (C>T on the coding strand, the complement: PLEC is on the minus strand). VCF-style: chr8-143936003-G-A. GRCh37 (hg19) VCF-style: chr8-145010171-G-A.
Other names: c.528C>T (NM_000445.4); c.528C>T, p.Ile176= (NM_000445.5, NM_001410941.1); c.405C>T, p.Ile135= (NM_201378.4); c.381C>T, p.Ile127= (NM_201379.3); c.858C>T, p.Ile286= (NM_201380.4); c.351C>T, p.Ile117= (NM_201381.3); c.447C>T, p.Ile149= (NM_201382.4); c.459C>T, p.Ile153= (NM_201383.3).
Identifiers: ClinVar variation 2926709 (VCV002926709.5), dbSNP rs368440063, ClinGen allele CA4928426.

ClinVar aggregate classification (germline): Likely benign. Review status: criteria provided, single submitter (1 of 4 stars). 2 submissions from 2 submitters: Likely benign (1). 1 of the submissions does not count toward it. Last evaluated 2022-11-06.

Conditions:
Epidermolysis bullosa simplex, Ogna type (EBS5A). Also called: Pidermolysis bullosa simplex 5A, Ogna type; EPIDERMOLYSIS BULLOSA SIMPLEX 5A, OGNA TYPE. Identifiers: Orphanet 79401, MedGen C0432317, MONDO:0007555, OMIM 131950.
Epidermolysis bullosa simplex 5C, with pyloric atresia (EBS5C). Also called: PLEC-Related Epidermolysis Bullosa with Pyloric Atresia; Epidermolysis bullosa simplex with pyloric atresia; PLEC1-Related Epidermolysis Bullosa with Pyloric Atresia. Identifiers: Orphanet 158684, MedGen C2677349, MONDO:0012807, OMIM 612138.
Epidermolysis bullosa simplex 5B, with muscular dystrophy (EBS5B). Also called: Epidermolysis bullosa simplex with muscular dystrophy; EPIDERMOLYSIS BULLOSA SIMPLEX AND LIMB-GIRDLE MUSCULAR DYSTROPHY. Identifiers: Orphanet 257, MedGen C2931072, MONDO:0009181, OMIM 226670.
Epidermolysis bullosa simplex with nail dystrophy (EBS5D). Identifiers: MedGen C4225309, MONDO:0014661, OMIM 616487.
Autosomal recessive limb-girdle muscular dystrophy type 2Q (LGMDR17). Also called: MUSCULAR DYSTROPHY, LIMB-GIRDLE, AUTOSOMAL RECESSIVE 17. Identifiers: Orphanet 254361, MedGen C3150989, MONDO:0013390, OMIM 613723.
PLEC-related disorder. Also called: PLEC-related condition; PLEC-related disorders.

Allele frequency attached by ClinVar (database versions not stated): gnomAD exomes 0.00001; ExAC 0.00003; gnomAD 0.00003; TOPMed 0.00005; ESP Exome Variant Server 0.00008.
gnomAD v4.1: 10 of 1,611,936 alleles (0.00062%); highest among the groups gnomAD compares: African/African-American, 0.011%; no homozygotes.

Submissions (2):

Labcorp Genetics (formerly Invitae), Labcorp
Classification: Likely benign for Autosomal recessive limb-girdle muscular dystrophy type 2Q; Epidermolysis bullosa simplex, Ogna type; Epidermolysis bullosa simplex with nail dystrophy; Epidermolysis bullosa simplex 5C, with pyloric atresia; Epidermolysis bullosa simplex 5B, with muscular dystrophy. Last evaluated: 2022-11-06. Review status: criteria provided, single submitter. Criteria: Invitae Variant Classification Sherloc (09022015). Collection method: clinical testing. Allele origin: germline.

PreventionGenetics, part of Exact Sciences
Classification: Likely benign for PLEC-related condition. Last evaluated: 2019-02-21. Review status: no assertion criteria provided. Collection method: clinical testing. Allele origin: germline. Not counted in ClinVar's aggregate classification.
Comment: This variant is classified as likely benign based on ACMG/AMP sequence variant interpretation guidelines (Richards et al. 2015 PMID: 25741868, with internal and published modifications).